The following is an entry in ClinVar:

ClinVar aggregate classification (germline): Uncertain significance. Review status: criteria provided, multiple submitters, no conflicts (2 of 4 stars). 7 submissions from 7 submitters: Uncertain significance (6). 1 of the submissions does not count toward it. Last evaluated 2026-03-01.

Conditions:
LTBP4-related disorder. Also called: LTBP4-related condition.

Allele frequency attached by ClinVar (database versions not stated): gnomAD 0.00034; gnomAD exomes 0.00044 and 0.00046; ExAC 0.00048; ESP Exome Variant Server 0.00049; TOPMed 0.00050.
gnomAD v4.1: 725 of 1,613,902 alleles (0.045%); highest among the groups gnomAD compares: Middle Eastern, 0.16%; 2 homozygotes.

Submissions (7):

CeGaT Center for Human Genetics Tuebingen
Classification: Uncertain significance. Last evaluated: 2026-03-01. Review status: criteria provided, single submitter. Criteria: CeGaT Center For Human Genetics Tuebingen Variant Classification Criteria Version 2. Collection method: clinical testing. Allele origin: germline. Affected: yes. Observed: 6 variant alleles.
Comment: LTBP4: PM2, PP3

Women's Health and Genetics/Laboratory Corporation of America, LabCorp
Classification: Uncertain significance. Last evaluated: 2024-06-21. Review status: criteria provided, single submitter. Criteria: LabCorp Variant Classification Summary - May 2015. Collection method: clinical testing. Allele origin: germline.
Comment: Variant summary: LTBP4 c.4198G>A (p.Gly1400Arg) results in a non-conservative amino acid change in the encoded protein sequence. Three of five in-silico tools predict a damaging effect of the variant on protein function. The variant allele was found at a frequency of 0.00044 in 248510 control chromosomes in the gnomAD database, including one homozygote. This frequency is not significantly higher than estimated for a pathogenic variant in LTBP4 causing Cutis Laxa - LTBP4 Related (0.00044 vs 0.0011), allowing no conclusion about variant significance. To our knowledge, no occurrence of c.4198G>A in individuals affected with Cutis Laxa - LTBP4 Related and no experimental evidence demonstrating its impact on protein function have been reported. ClinVar contains an entry for this variant (Variation ID: 373172). Based on the evidence outlined above, the variant was classified as VUS-possibly benign.

Labcorp Genetics (formerly Invitae), Labcorp
Classification: Uncertain significance. Last evaluated: 2022-09-13. Review status: criteria provided, single submitter. Criteria: Invitae Variant Classification Sherloc (09022015). Collection method: clinical testing. Allele origin: germline.
Comment: This sequence change replaces glycine, which is neutral and non-polar, with arginine, which is basic and polar, at codon 1401 of the LTBP4 protein (p.Gly1401Arg). This variant is present in population databases (rs200607327, gnomAD 0.06%), including at least one homozygous and/or hemizygous individual. This variant has not been reported in the literature in individuals affected with LTBP4-related conditions. ClinVar contains an entry for this variant (Variation ID: 373172). Experimental studies and prediction algorithms are not available or were not evaluated, and the functional significance of this variant is currently unknown. Algorithms developed to predict the effect of sequence changes on RNA splicing suggest that this variant may create or strengthen a splice site. In summary, the available evidence is currently insufficient to determine the role of this variant in disease. Therefore, it has been classified as a Variant of Uncertain Significance.

Greenwood Genetic Center Diagnostic Laboratories, Greenwood Genetic Center
Classification: Uncertain significance. Last evaluated: 2022-03-30. Review status: criteria provided, single submitter. Criteria: ACMG Guidelines, 2015. Collection method: clinical testing. Allele origin: germline. Affected: yes.
Comment: No ACMG criteria can be applied

GeneDx
Classification: Uncertain significance. Last evaluated: 2016-11-16. Review status: criteria provided, single submitter. Criteria: GeneDx Variant Classification (06012015). Collection method: clinical testing. Allele origin: germline. Affected: yes.
Comment: A variant of uncertain significance has been identified in the LTBP4 gene. The G1401R variant hasnot been published as a pathogenic variant, nor has it been reported as a benign variant to ourknowledge. The G1401R variant was not observed at a significant frequencyin approximately 6,100 individuals of European and African American ancestry in the NHLBI ExomeSequencing Project, indicating it is not a common benign variant in these populations. The G1401Rvariant is a non-conservative amino acid substitution, which is likely to impact secondary proteinstructure as these residues differ in polarity, charge, size and/or other properties. In addition, in silicoanalysis predicts this variant is probably damaging to the protein structure/function. However,although this substitution occurs at a position where only amino acids with similar properties toGlycine are tolerated across species, Arginine is the wild-type amino acid at this position in at leastone species. Furthermore, no missense variants in nearby residues have been reported in the HumanGene Mutation Database (Stenson et al., 2014).Therefore, based on the currently available information, it is unclear whether this variant ispathogenic or benign.

Breakthrough Genomics
Classification: Uncertain significance. Review status: criteria provided, single submitter. Criteria: ACMG Guidelines, 2015. Collection method: not provided. Allele origin: germline. Inheritance: Autosomal dominant inheritance. Affected: yes.

PreventionGenetics, part of Exact Sciences
Classification: Uncertain significance for LTBP4-related condition. Last evaluated: 2024-04-24. Review status: no assertion criteria provided. Collection method: clinical testing. Allele origin: germline. Not counted in ClinVar's aggregate classification.
Comment: The LTBP4 c.4201G>A variant is predicted to result in the amino acid substitution p.Gly1401Arg. To our knowledge, this variant has not been reported in the literature. This variant is reported in 0.065% of alleles in individuals of European (Non-Finnish) descent in gnomAD. Although we suspect that this variant may be benign, at this time, the clinical significance of this variant is uncertain due to the absence of conclusive functional and genetic evidence.

NM_001042545.2(LTBP4):c.4111G>A (p.Gly1371Arg)

Gene: LTBP4 (latent transforming growth factor beta binding protein 4; plus strand). Cytogenetic location: 19q13.2.
Variant type: single nucleotide variant.
Coding change: c.4111G>A on transcript NM_001042545.2 (MANE Select); coding-DNA position 4111, G replaced by A.
Protein change: p.Gly1371Arg; replaces glycine 1371 with arginine.
Molecular consequence: missense variant.
Genome position (GRCh38, 1-based): chr19:40,627,100, G>A. VCF-style: chr19-40627100-G-A. GRCh37 (hg19) VCF-style: chr19-41133005-G-A.
Other names: c.4312G>A, p.Gly1438Arg (NM_001042544.1); c.4201G>A, p.Gly1401Arg (NM_003573.2); short protein forms G1371R, G1401R, G1438R.
Identifiers: ClinVar variation 373172 (VCV000373172.49), dbSNP rs200607327, ClinGen allele CA9449233.